The following is an entry in ClinVar:

NM_001267550.2(TTN):c.104504G>C (p.Arg34835Thr)

Genes: TTN (titin; minus strand), TTN-AS1 (TTN antisense RNA 1; plus strand). Cytogenetic location: 2q31.2.
Variant type: single nucleotide variant.
Coding change: c.104504G>C on transcript NM_001267550.2 (MANE Select); coding-DNA position 104504, G replaced by C.
Protein change: p.Arg34835Thr; replaces arginine 34835 with threonine.
Molecular consequence: missense variant.
Genome position (GRCh38, 1-based): chr2:178,532,111, C>G on the plus strand (G>C on the coding strand, the complement: TTN is on the minus strand). VCF-style: chr2-178532111-C-G. GRCh37 (hg19) VCF-style: chr2-179396838-C-G.
Other names: c.99581G>C, p.Arg33194Thr (NM_001256850.1); c.77309G>C, p.Arg25770Thr (NM_003319.4); c.96800G>C, p.Arg32267Thr (NM_133378.4); c.77684G>C, p.Arg25895Thr (NM_133432.3); c.77885G>C, p.Arg25962Thr (NM_133437.4); short protein forms R25770T, R32267T, R33194T, R34835T, R25962T, R25895T.
Identifiers: ClinVar variation 1348216 (VCV001348216.6), dbSNP rs2154134050, ClinGen allele CA349411526.
Genomic context (GRCh38, chr2:178,532,111, plus strand): 5'-GACACTGGCCTCATTAACTCAATATAAGTTGGAGACAGGGAGCGCCGTCGTCTCAGTAGT[C>G]TAGACGCAGATGAGGATGATTCTCTTTGAGCATGTTTTGAGATTTCGTATTCTTCCTCAA-3'
Protein context (NP_001254479.2, residues 34825-34845): AQRESSSSAS[Arg34835Thr]LLRRRRSLSP

ClinVar aggregate classification (germline): Uncertain significance (1 of 4 stars; one submission).

Conditions:
Dilated cardiomyopathy 1G (CMD1G). Identifiers: Orphanet 154, MedGen C1858763, MONDO:0011400, OMIM 604145.
Autosomal recessive limb-girdle muscular dystrophy type 2J (LGMDR10). Also called: Limb-girdle muscular dystrophy, type 2J; MUSCULAR DYSTROPHY, LIMB-GIRDLE, AUTOSOMAL RECESSIVE 10. Identifiers: Orphanet 140922, MedGen C1837342, MONDO:0012127, OMIM 608807.

Submission:

Labcorp Genetics (formerly Invitae), Labcorp
Classification: Uncertain significance for Dilated cardiomyopathy 1G; Autosomal recessive limb-girdle muscular dystrophy type 2J. Last evaluated: 2021-04-23. Review status: criteria provided, single submitter. Criteria: Invitae Variant Classification Sherloc (09022015). Collection method: clinical testing. Allele origin: germline.
Comment: This sequence change replaces arginine with threonine at codon 34835 of the TTN protein (p.Arg34835Thr). There is a moderate physicochemical difference between arginine and threonine. This variant is located in the M band of TTN (PMID: 25589632). Variants in this region may be relevant for neuromuscular disorders, but have not been definitively shown to cause cardiomyopathy (PMID: 23975875). In summary, the available evidence is currently insufficient to determine the role of this variant in disease. Therefore, it has been classified as a Variant of Uncertain Significance. Experimental studies and prediction algorithms are not available or were not evaluated, and the functional significance of this variant is currently unknown. This variant has not been reported in the literature in individuals with TTN-related conditions. This variant is not present in population databases (ExAC no frequency).

Literature cited by the submitters: PubMed 25589632; PubMed 23975875.